The following is an entry in ClinVar:

NM_020987.5(ANK3):c.9215A>T (p.Asp3072Val)

Gene: ANK3 (ankyrin 3; minus strand). Cytogenetic location: 10q21.2.
Variant type: single nucleotide variant.
Coding change: c.9215A>T on transcript NM_020987.5 (MANE Select); coding-DNA position 9215, A replaced by T.
Protein change: p.Asp3072Val; replaces aspartic acid 3072 with valine.
Molecular consequence: missense variant. On other transcripts: intron variant (4).
Genome position (GRCh38, 1-based): chr10:60,071,666, T>A on the plus strand (A>T on the coding strand, the complement: ANK3 is on the minus strand). VCF-style: chr10-60071666-T-A. GRCh37 (hg19) VCF-style: chr10-61831424-T-A.
Other names: c.4388-3657A>T (NM_001204403.2); c.4409-3657A>T (NM_001204404.2); c.4406-3657A>T (NM_001320874.2); c.1808-3657A>T (NM_001149.4); short protein forms D3072V.
Identifiers: ClinVar variation 4086701 (VCV004086701.1).

ClinVar aggregate classification (germline): Uncertain significance (1 of 4 stars; one submission).

Submission:

GeneDx
Classification: Uncertain significance. Last evaluated: 2025-03-16. Review status: criteria provided, single submitter. Criteria: GeneDx Variant Classification Process June 2021. Collection method: clinical testing. Allele origin: germline. Affected: yes.
Comment: Not observed at significant frequency in large population cohorts (gnomAD); In silico analysis supports that this missense variant has a deleterious effect on protein structure/function; Has not been previously published as pathogenic or benign to our knowledge